The following is an entry in ClinVar:

NM_205861.3(DHDDS):c.926G>T (p.Arg309Leu)

Gene: DHDDS (dehydrodolichyl diphosphate synthase subunit; plus strand). Cytogenetic location: 1p36.11.
Variant type: single nucleotide variant.
Coding change: c.926G>T on transcript NM_205861.3 (MANE Select); coding-DNA position 926, G replaced by T.
Protein change: p.Arg309Leu; replaces arginine 309 with leucine.
Molecular consequence: missense variant.
Genome position (GRCh38, 1-based): chr1:26,469,055, G>T. VCF-style: chr1-26469055-G-T. GRCh37 (hg19) VCF-style: chr1-26795546-G-T.
Other names: c.824G>T, p.Arg275Leu (NM_001243564.2); c.809G>T, p.Arg270Leu (NM_001243565.2); c.647G>T, p.Arg216Leu (NM_001319959.2); c.929G>T, p.Arg310Leu (NM_024887.4); short protein forms R216L, R309L, R275L, R270L, R310L.
Identifiers: ClinVar variation 4716244 (VCV004716244.1).

ClinVar aggregate classification (germline): Uncertain significance (1 of 4 stars; one submission).

Conditions:
Retinitis pigmentosa 59 (RP59). Identifiers: Orphanet 791, MedGen C3151227, MONDO:0013468, OMIM 613861.

Submission:

Labcorp Genetics (formerly Invitae), Labcorp
Classification: Uncertain significance for Retinitis pigmentosa 59. Last evaluated: 2025-03-29. Review status: criteria provided, single submitter. Criteria: Invitae Variant Classification Sherloc (09022015). Collection method: clinical testing. Allele origin: germline.
Comment: This sequence change replaces arginine, which is basic and polar, with leucine, which is neutral and non-polar, at codon 310 of the DHDDS protein (p.Arg310Leu). This variant is not present in population databases (gnomAD no frequency). This variant has not been reported in the literature in individuals affected with DHDDS-related conditions. An algorithm developed to predict the effect of missense changes on protein structure and function (PolyPhen-2) suggests that this variant is likely to be disruptive. In summary, the available evidence is currently insufficient to determine the role of this variant in disease. Therefore, it has been classified as a Variant of Uncertain Significance.